The following is an entry in ClinVar:

NM_000180.4(GUCY2D):c.508G>A (p.Asp170Asn)

Gene: GUCY2D (guanylate cyclase 2D, retinal; plus strand). Cytogenetic location: 17p13.1.
Variant type: single nucleotide variant.
Coding change: c.508G>A on transcript NM_000180.4 (MANE Select); coding-DNA position 508, G replaced by A.
Protein change: p.Asp170Asn; replaces aspartic acid 170 with asparagine.
Molecular consequence: missense variant.
Genome position (GRCh38, 1-based): chr17:8,003,555, G>A. VCF-style: chr17-8003555-G-A. GRCh37 (hg19) VCF-style: chr17-7906873-G-A.
Other names: short protein forms D170N.
Identifiers: ClinVar variation 3753116 (VCV003753116.1).

ClinVar aggregate classification (germline): Uncertain significance (1 of 4 stars; one submission).

Conditions:
Cone-rod dystrophy 6 (CORD6). Also called: Cone dystrophy progressive; RETINAL CONE DYSTROPHY 2. Identifiers: Orphanet 1872, MedGen C1866293, MONDO:0011143, OMIM 601777.
Leber congenital amaurosis 1 (LCA1). Also called: AMAUROSIS CONGENITA OF LEBER I; Congenital absence of the rods and cones; Leber's congenital tapetoretinal degeneration; Leber's congenital tapetoretinal dysplasia; RETINAL BLINDNESS, CONGENITAL. Identifiers: Orphanet 65, MedGen C2931258, MONDO:0008764, OMIM 204000.

gnomAD v4.1: 1 of 1,571,090 alleles (0.000064%); no homozygotes.

Submission:

Labcorp Genetics (formerly Invitae), Labcorp
Classification: Uncertain significance for Leber congenital amaurosis 1; Cone-rod dystrophy 6. Last evaluated: 2024-12-06. Review status: criteria provided, single submitter. Criteria: Invitae Variant Classification Sherloc (09022015). Collection method: clinical testing. Allele origin: germline.
Comment: This sequence change replaces aspartic acid, which is acidic and polar, with asparagine, which is neutral and polar, at codon 170 of the GUCY2D protein (p.Asp170Asn). This variant is not present in population databases (gnomAD no frequency). This variant has not been reported in the literature in individuals affected with GUCY2D-related conditions. Invitae Evidence Modeling of protein sequence and biophysical properties (such as structural, functional, and spatial information, amino acid conservation, physicochemical variation, residue mobility, and thermodynamic stability) indicates that this missense variant is not expected to disrupt GUCY2D protein function with a negative predictive value of 80%. In summary, the available evidence is currently insufficient to determine the role of this variant in disease. Therefore, it has been classified as a Variant of Uncertain Significance.